The following is an entry in ClinVar:

ClinVar aggregate classification (germline): Conflicting classifications of pathogenicity. Review status: criteria provided, conflicting classifications (1 of 4 stars). 2 submissions from 2 submitters: Uncertain significance (1); Likely benign (1). Last evaluated 2023-10-03.

Conditions:
KBG syndrome (KBGS). Also called: ANKRD11-Related KBG Syndrome. Identifiers: Orphanet 2332, MedGen C0220687, MONDO:0007846, OMIM 148050.

Allele frequency attached by ClinVar (database versions not stated): ExAC 0.00001; gnomAD exomes 0.00001 and 0.00002; TOPMed 0.00002; gnomAD 0.00003.
gnomAD v4.1: 12 of 1,614,118 alleles (0.00074%); highest among the groups gnomAD compares: Non-Finnish European, 0.001%; no homozygotes.

Submissions (2):

Labcorp Genetics (formerly Invitae), Labcorp
Classification: Uncertain significance for KBG syndrome. Last evaluated: 2023-10-03. Review status: criteria provided, single submitter. Criteria: Invitae Variant Classification Sherloc (09022015). Collection method: clinical testing. Allele origin: germline.
Comment: This sequence change replaces serine, which is neutral and polar, with cysteine, which is neutral and slightly polar, at codon 1033 of the ANKRD11 protein (p.Ser1033Cys). This variant is present in population databases (rs201929972, gnomAD 0.004%). This variant has not been reported in the literature in individuals affected with ANKRD11-related conditions. ClinVar contains an entry for this variant (Variation ID: 599428). Advanced modeling of protein sequence and biophysical properties (such as structural, functional, and spatial information, amino acid conservation, physicochemical variation, residue mobility, and thermodynamic stability) performed at Invitae indicates that this missense variant is not expected to disrupt ANKRD11 protein function. In summary, the available evidence is currently insufficient to determine the role of this variant in disease. Therefore, it has been classified as a Variant of Uncertain Significance.

Institute for Genomic Medicine (IGM) Clinical Laboratory, Nationwide Children's Hospital
Classification: Likely benign. Last evaluated: 2017-04-26. Review status: criteria provided, single submitter. Criteria: ACMG Guidelines, 2015. Collection method: clinical testing. Allele origin: germline.
Comment: BP1, BP4; This variant is a missense alteration in a gene for which primarily truncating variants are known to cause disease, and is predicted to be tolerated by multiple functional prediction tools.

NM_013275.6(ANKRD11):c.3097A>T (p.Ser1033Cys)

Gene: ANKRD11 (ankyrin repeat domain 11; minus strand). Cytogenetic location: 16q24.3.
Variant type: single nucleotide variant.
Coding change: c.3097A>T on transcript NM_013275.6 (MANE Select); coding-DNA position 3097, A replaced by T.
Protein change: p.Ser1033Cys; replaces serine 1033 with cysteine.
Molecular consequence: missense variant.
Genome position (GRCh38, 1-based): chr16:89,283,445, T>A on the plus strand (A>T on the coding strand, the complement: ANKRD11 is on the minus strand). VCF-style: chr16-89283445-T-A. GRCh37 (hg19) VCF-style: chr16-89349853-T-A.
Other names: c.3097A>T, p.Ser1033Cys (NM_001256182.2, NM_001256183.2); short protein forms S1033C.
Identifiers: ClinVar variation 599428 (VCV000599428.9), dbSNP rs201929972, ClinGen allele CA8242427.
Genomic context (GRCh38, chr16:89,283,445, plus strand): 5'-CAAATTCTTTGTCCTTCTGACATTTTTCCAGGATTGATTTCTCACTTTTGTCCTTGTCAC[T>A]GGATTTCTCTTTGTATCTTTCTGGTTTTGTCTTCTCCTTCCTTTCCTTATCGGGGCCATC-3'
Protein context (NP_037407.4, residues 1023-1043): TKPERYKEKS[Ser1033Cys]DKDKSEKSIL